The following is an entry in ClinVar:

ClinVar aggregate classification (germline): Pathogenic (1 of 4 stars; one submission).

Conditions:
Hereditary cancer-predisposing syndrome. Also called: Hereditary neoplastic syndrome; Neoplastic Syndromes, Hereditary; Tumor predisposition; Hereditary Cancer Syndrome. Identifiers: Orphanet 140162, MedGen C0027672, MeSH D009386, MONDO:0015356.

Submission:

Ambry Genetics
Classification: Pathogenic for Hereditary cancer-predisposing syndrome. Last evaluated: 2025-07-08. Review status: criteria provided, single submitter. Criteria: Ambry Variant Classification Scheme 2023. Collection method: clinical testing. Allele origin: germline.
Comment: The p.K75* pathogenic mutation (also known as c.223A>T), located in coding exon 2 of the CTNNA1 gene, results from an A to T substitution at nucleotide position 223. This changes the amino acid from a lysine to a stop codon within coding exon 2. This variant is considered to be rare based on population cohorts in the Genome Aggregation Database (gnomAD). This alteration is expected to result in loss of function by premature protein truncation or nonsense-mediated mRNA decay. As such, this alteration is interpreted as a disease-causing mutation.

NM_001903.5(CTNNA1):c.223A>T (p.Lys75Ter)

Gene: CTNNA1 (catenin alpha 1; plus strand). Cytogenetic location: 5q31.2.
Variant type: single nucleotide variant.
Coding change: c.223A>T on transcript NM_001903.5 (MANE Select); coding-DNA position 223, A replaced by T.
Protein change: p.Lys75Ter; replaces lysine 75 with a stop codon.
Molecular consequence: nonsense. On other transcripts: intron variant (2).
Genome position (GRCh38, 1-based): chr5:138,783,294, A>T. VCF-style: chr5-138783294-A-T. GRCh37 (hg19) VCF-style: chr5-138118983-A-T.
Other names: c.223A>T, p.Lys75Ter (NM_001290307.3, NM_001323982.2, NM_001323983.1 and 3 more transcripts); c.-6+22A>T (NM_001290310.3); c.-9+1265A>T (NM_001290309.3); short protein forms K75*.
Identifiers: ClinVar variation 3837164 (VCV003837164.2).